The following is an entry in ClinVar:

ClinVar aggregate classification (germline): Likely pathogenic (1 of 4 stars; one submission).

Allele frequency attached by ClinVar (database versions not stated): gnomAD exomes 0.00001.
gnomAD v4.1: 12 of 1,189,594 alleles (0.001%); highest among the groups gnomAD compares: Non-Finnish European, 0.0014%; no homozygotes.

Submission:

GeneDx
Classification: Likely pathogenic. Last evaluated: 2016-05-10. Review status: criteria provided, single submitter. Criteria: GeneDx Variant Classification (06012015). Collection method: clinical testing. Allele origin: germline. Affected: yes.
Comment: The c.1715-2A>T variant in the PHKA1 gene has not been reported previously as a pathogenic variant nor as a benign variant, to our knowledge. This splice site variant destroys the canonical splice acceptor site in intron 16. It is predicted to cause abnormal gene splicing, either leading to an abnormal message that is subject to nonsense-mediated mRNA decay, or to an abnormal protein product if the message is used for protein translation. The c.1715-2A>T variant was not observed in approximately 6500 individuals of European and African American ancestry in the NHLBI Exome Sequencing Project, indicating it is not a common benign variant in these populations. The c.1715-2A>T variant is a strong candidate for a pathogenic variant, however, the possibility it may be a rare benign variant cannot be excluded.

NM_002637.4(PHKA1):c.1715-2A>T

Gene: PHKA1 (phosphorylase kinase regulatory subunit alpha 1; minus strand). Cytogenetic location: Xq13.1.
Variant type: single nucleotide variant.
Coding change: c.1715-2A>T on transcript NM_002637.4 (MANE Select); the canonical splice acceptor site of the intron before coding-DNA position 1715, A replaced by T.
Molecular consequence: splice acceptor variant.
Genome position (GRCh38, 1-based): chrX:72,627,051, T>A on the plus strand (A>T on the coding strand, the complement: PHKA1 is on the minus strand). VCF-style: chrX-72627051-T-A. GRCh37 (hg19) VCF-style: chrX-71846901-T-A.
Other names: c.1715-2A>T (NM_001172436.2, NM_001122670.2).
Identifiers: ClinVar variation 421202 (VCV000421202.2), dbSNP rs1064794973, ClinGen allele CA16621501.
Genomic context (GRCh38, chrX:72,627,051, plus strand): 5'-ATCTTGCATTTTTCGGAGTGCTGCCAGGATACTTGAATTCAAGCTTGTTCCATCTTCATC[T>A]TGAAATGAACAGAATTTTAAAACAATCTTTGTGGTTTTAACTCTGAAGTAGGGAGAAATC-3'